The following is an entry in ClinVar:

NM_001244008.2(KIF1A):c.2977+5G>T

Gene: KIF1A (kinesin family member 1A; minus strand). Cytogenetic location: 2q37.3.
Variant type: single nucleotide variant.
Coding change: c.2977+5G>T on transcript NM_001244008.2 (MANE Select); 5 bases into the intron after coding-DNA position 2977, G replaced by T.
Molecular consequence: intron variant.
Genome position (GRCh38, 1-based): chr2:240,750,424, C>A on the plus strand (G>T on the coding strand, the complement: KIF1A is on the minus strand). VCF-style: chr2-240750424-C-A. GRCh37 (hg19) VCF-style: chr2-241689841-C-A.
Other names: c.2674+5G>T (NM_001379653.1, NM_001379650.1, NM_001379640.1 and 6 more transcripts); c.2950+5G>T (NM_001379645.1, NM_001379633.1, NM_001379642.1); c.2776+5G>T (NM_001379635.1, NM_001330290.2, NM_001379646.1 and 1 more transcripts); c.2926+5G>T (NM_001379632.1); c.2749+5G>T (NM_001379637.1, NM_001379648.1); c.2701+5G>T (NM_001320705.2, NM_001379638.1, NM_001330289.2); c.3052+5G>T (NM_001379631.1).
Identifiers: ClinVar variation 1707399 (VCV001707399.2), dbSNP rs200583714, ClinGen allele CA540551086.

ClinVar aggregate classification (germline): Uncertain significance (1 of 4 stars; one submission).

gnomAD v4.1: 1 of 1,608,506 alleles (0.000062%); highest among the groups gnomAD compares: South Asian, 0.0011%; no homozygotes.

Submission:

GeneDx
Classification: Uncertain significance. Last evaluated: 2022-03-12. Review status: criteria provided, single submitter. Criteria: GeneDx Variant Classification Process June 2021. Collection method: clinical testing. Allele origin: germline. Affected: yes.
Comment: Has not been previously published as pathogenic or benign to our knowledge; In silico analysis, which includes splice predictors and evolutionary conservation, suggests this variant may impact gene splicing. In the absence of RNA/functional studies, the actual effect of this sequence change is unknown.